The following is an entry in ClinVar:

NM_000540.3(RYR1):c.1392G>A (p.Gln464=)

Gene: RYR1 (ryanodine receptor 1; plus strand). Cytogenetic location: 19q13.2.
Variant type: single nucleotide variant.
Coding change: c.1392G>A on transcript NM_000540.3 (MANE Select); coding-DNA position 1392, G replaced by A.
Protein change: p.Gln464=; no amino-acid change (glutamine 464 retained).
Molecular consequence: synonymous variant.
Genome position (GRCh38, 1-based): chr19:38,452,966, G>A. VCF-style: chr19-38452966-G-A. GRCh37 (hg19) VCF-style: chr19-38943606-G-A.
Other names: c.1392G>A, p.Gln464= (NM_001042723.2).
Identifiers: ClinVar variation 2178539 (VCV002178539.5), dbSNP rs1436361282, ClinGen allele CA507242746.
Genomic context (GRCh38, chr19:38,452,966, plus strand): 5'-GCAGGACCTCATCATCTACTTCGAGCCTCCCTCCGAGGACTTGCAGCACGAGGAGAAGCA[G>A]AGCAAGCTGCGAAGCCTGCGCAACCGCCAGAGCCTCTTCCAGGAGGAGGTGAGGACGTGG-3'
Protein context (NP_000531.2, residues 454-474): PSEDLQHEEK[Gln464=]SKLRSLRNRQ

ClinVar aggregate classification (germline): Likely benign. Review status: criteria provided, multiple submitters, no conflicts (2 of 4 stars). 2 submissions from 2 submitters: Likely benign (2). Last evaluated 2024-06-09.

Conditions:
RYR1-related disorder. Also called: RYR1-related condition; RYR1-related disorders. Identifiers: MedGen CN239331.
Malignant hyperthermia, susceptibility to, 1 (MHS1). Also called: Anesthesia related hyperthermia; Malignant hyperpyrexia; Fulminating hyperpyrexia; Pharmacogenic myopathy; RYR1-Related Malignant Hyperthermia Susceptibility; Malignant hyperthermia suceptibility 1. Identifiers: Orphanet 423, MedGen C2930980, MONDO:0007783, OMIM 145600.

Submissions (2):

All of Us Research Program, National Institutes of Health
Classification: Likely benign for Malignant hyperthermia, susceptibility to, 1. Last evaluated: 2024-06-09. Review status: criteria provided, single submitter. Criteria: ACMG Guidelines, 2015. Collection method: clinical testing. Allele origin: germline. Inheritance: Autosomal dominant inheritance. Observed: 1 variant allele, 1 heterozygote.
Comment: This study involves interpretation of variants in research participants for the purpose of population health screening. Participant phenotype was not available at the time of variant classification. Additional details can be found in publication PMID: 35346344, PMCID: PMC8962531

Labcorp Genetics (formerly Invitae), Labcorp
Classification: Likely benign for RYR1-related disorder. Last evaluated: 2022-03-11. Review status: criteria provided, single submitter. Criteria: Invitae Variant Classification Sherloc (09022015). Collection method: clinical testing. Allele origin: germline.